The following is an entry in ClinVar:

NM_005751.5(AKAP9):c.2571T>A (p.Phe857Leu)

Gene: AKAP9 (A-kinase anchoring protein 9; plus strand). Cytogenetic location: 7q21.2.
Variant type: single nucleotide variant.
Coding change: c.2571T>A on transcript NM_005751.5 (MANE Select); coding-DNA position 2571, T replaced by A.
Protein change: p.Phe857Leu; replaces phenylalanine 857 with leucine.
Molecular consequence: missense variant.
Genome position (GRCh38, 1-based): chr7:92,002,488, T>A. VCF-style: chr7-92002488-T-A. GRCh37 (hg19) VCF-style: chr7-91631802-T-A.
Other names: c.2571T>A, p.Phe857Leu (NM_147185.3); short protein forms F857L.
Identifiers: ClinVar variation 4034546 (VCV004034546.3).
Genomic context (GRCh38, chr7:92,002,488, plus strand): 5'-TCAGCTAAATGAAGAGATTGAAAAGCAAAGGAACACTTTTTCATTTGCTGAAAAAAACTT[T>A]GAAGTTAACTATCAAGAGTTACAAGAGGAGTATGCTTGCCTTCTCAAAGTAAAAGATGAT-3'
Protein context (NP_005742.4, residues 847-867): RNTFSFAEKN[Phe857Leu]EVNYQELQEE

ClinVar aggregate classification (germline): Uncertain significance. Review status: criteria provided, multiple submitters, no conflicts (2 of 4 stars). 2 submissions from 2 submitters: Uncertain significance (2). Last evaluated 2026-03-30.

Conditions:
Long QT syndrome (LQTS). Identifiers: MedGen C0023976, MeSH D008133, MONDO:0002442. Disease mechanism: loss of function. Inheritance: Various modes of inheritance.
Cardiovascular phenotype. Identifiers: MedGen CN230736.

Submissions (2):

Ambry Genetics
Classification: Uncertain significance for Cardiovascular phenotype. Last evaluated: 2026-03-30. Review status: criteria provided, single submitter. Criteria: Ambry Variant Classification Scheme 2023. Collection method: clinical testing. Allele origin: germline.
Comment: The p.F857L variant (also known as c.2571T>A), located in coding exon 8 of the AKAP9 gene, results from a T to A substitution at nucleotide position 2571. The phenylalanine at codon 857 is replaced by leucine, an amino acid with highly similar properties. This amino acid position is conserved. In addition, this alteration is predicted to be tolerated by in silico analysis. Based on the available evidence, the clinical significance of this variant remains unclear.

Labcorp Genetics (formerly Invitae), Labcorp
Classification: Uncertain significance for Long QT syndrome. Last evaluated: 2025-12-24. Review status: criteria provided, single submitter. Criteria: Invitae Variant Classification Sherloc (09022015). Collection method: clinical testing. Allele origin: germline.
Comment: This sequence change replaces phenylalanine, which is neutral and non-polar, with leucine, which is neutral and non-polar, at codon 857 of the AKAP9 protein (p.Phe857Leu). This variant is present in population databases (rs765388668, gnomAD 0.002%). This variant has not been reported in the literature in individuals affected with AKAP9-related conditions. ClinVar contains an entry for this variant (Variation ID: 4034546). An algorithm developed to predict the effect of missense changes on protein structure and function (PolyPhen-2) suggests that this variant is likely to be disruptive. In summary, the available evidence is currently insufficient to determine the role of this variant in disease. Therefore, it has been classified as a Variant of Uncertain Significance.